The following is an entry in ClinVar:

NM_153460.4(IL17RC):c.253C>T (p.Arg85Cys)

Gene: IL17RC (interleukin 17 receptor C; plus strand). Cytogenetic location: 3p25.3.
Variant type: single nucleotide variant.
Coding change: c.253C>T on transcript NM_153460.4 (MANE Select); coding-DNA position 253, C replaced by T.
Protein change: p.Arg85Cys; replaces arginine 85 with cysteine.
Molecular consequence: missense variant. On other transcripts: non-coding transcript variant (1).
Genome position (GRCh38, 1-based): chr3:9,918,048, C>T. VCF-style: chr3-9918048-C-T. GRCh37 (hg19) VCF-style: chr3-9959732-C-T.
Other names: c.253C>T, p.Arg85Cys (NM_001203263.2, NM_001203264.2, NM_001203265.2 and 5 more transcripts); c.466C>T, p.Arg156Cys (NM_153461.4); c.466C>T (NM_153461.3); short protein forms R156C, R85C.
Identifiers: ClinVar variation 2421111 (VCV002421111.6), dbSNP rs769207510, ClinGen allele CA2246778.

ClinVar aggregate classification (germline): Uncertain significance. Review status: criteria provided, multiple submitters, no conflicts (2 of 4 stars). 2 submissions from 2 submitters: Uncertain significance (2). Last evaluated 2025-01-24.

Conditions:
Candidiasis, familial, 9 (CANDF9). Identifiers: Orphanet 1334, MedGen C4225324, MONDO:0014642, OMIM 616445.

Allele frequency attached by ClinVar (database versions not stated): gnomAD exomes below 0.00001; TOPMed 0.00001; ExAC 0.00002.
gnomAD v4.1: 6 of 1,593,940 alleles (0.00038%); highest among the groups gnomAD compares: East Asian, 0.0046%; no homozygotes.

Submissions (2):

Ambry Genetics
Classification: Uncertain significance. Last evaluated: 2025-01-24. Review status: criteria provided, single submitter. Criteria: Ambry Variant Classification Scheme 2023. Collection method: clinical testing. Allele origin: germline.

Labcorp Genetics (formerly Invitae), Labcorp
Classification: Uncertain significance for Candidiasis, familial, 9. Last evaluated: 2024-11-11. Review status: criteria provided, single submitter. Criteria: Invitae Variant Classification Sherloc (09022015). Collection method: clinical testing. Allele origin: germline.
Comment: This sequence change replaces arginine, which is basic and polar, with cysteine, which is neutral and slightly polar, at codon 156 of the IL17RC protein (p.Arg156Cys). The frequency data for this variant in the population databases is considered unreliable, as metrics indicate poor data quality at this position in the gnomAD database. This variant has not been reported in the literature in individuals affected with IL17RC-related conditions. ClinVar contains an entry for this variant (Variation ID: 2421111). An algorithm developed to predict the effect of missense changes on protein structure and function (PolyPhen-2) suggests that this variant is likely to be disruptive. In summary, the available evidence is currently insufficient to determine the role of this variant in disease. Therefore, it has been classified as a Variant of Uncertain Significance.